The following is an entry in ClinVar:

NM_000548.5(TSC2):c.3611G>A (p.Gly1204Glu)

Gene: TSC2 (TSC complex subunit 2; plus strand). Cytogenetic location: 16p13.3.
Variant type: single nucleotide variant.
Coding change: c.3611G>A on transcript NM_000548.5 (MANE Select); coding-DNA position 3611, G replaced by A.
Protein change: p.Gly1204Glu; replaces glycine 1204 with glutamic acid.
Molecular consequence: missense variant.
Genome position (GRCh38, 1-based): chr16:2,081,595, G>A. VCF-style: chr16-2081595-G-A. GRCh37 (hg19) VCF-style: chr16-2131596-G-A.
Other names: c.3479G>A, p.Gly1160Glu (NM_001077183.3, NM_001370404.1); c.3611G>A, p.Gly1204Glu (NM_001114382.3); c.3371G>A, p.Gly1124Glu (NM_001318827.2); c.3335G>A, p.Gly1112Glu (NM_001318829.2); c.2879G>A, p.Gly960Glu (NM_001318831.2); c.3512G>A, p.Gly1171Glu (NM_001318832.2); c.3482G>A, p.Gly1161Glu (NM_001363528.2, NM_001370405.1, NM_021055.3); short protein forms G1204E, G1171E, G960E, G1124E, G1112E, G1160E, G1161E.
Identifiers: ClinVar variation 50148 (VCV000050148.15), dbSNP rs45462194, ClinGen allele CA019384.
Genomic context (GRCh38, chr16:2,081,595, plus strand): 5'-GGCCAGAGATGGGTAAGGGGAGGTACTGGCCTCAGGCCAAAGGTGCTGCCGCCTCCGCAG[G>A]GAACACCAGCTGGCTGATGAGCCTGGAGAACCCGCTCAGCCCTTTCTCCTCGGACATCAA-3'
Protein context (NP_000539.2, residues 1194-1214): WAEILVRRPT[Gly1204Glu]NTSWLMSLEN

ClinVar aggregate classification (germline): Pathogenic/Likely pathogenic. Review status: criteria provided, multiple submitters, no conflicts (2 of 4 stars). 6 submissions from 6 submitters: Pathogenic (1); Likely pathogenic (4). 1 of the submissions does not count toward it. Last evaluated 2025-03-01.

Conditions:
Lymphangiomyomatosis (LAM). Also called: Lymphangioleiomyomatosis; Lymphangioleiomyomatosis, somatic. Identifiers: Orphanet 538, MedGen C0751674, MONDO:0011705, OMIM 606690.
Isolated focal cortical dysplasia type II (FCORD2). Also called: CORTICAL DYSPLASIA OF TAYLOR; Focal cortical dysplasia type II. Identifiers: Orphanet 268994, MedGen C1846385, MONDO:0011818, OMIM 607341, HP:0032051.
Tuberous sclerosis 2 (TSC2). Identifiers: Orphanet 805, MedGen C1860707, MONDO:0013199, OMIM 613254.
Tuberous sclerosis syndrome (TSC). Also called: Tuberous Sclerosis Complex; Tuberous sclerosis. Identifiers: Orphanet 805, MedGen C0041341, MONDO:0001734.

Submissions (6):

CeGaT Center for Human Genetics Tuebingen
Classification: Likely pathogenic. Last evaluated: 2025-03-01. Review status: criteria provided, single submitter. Criteria: CeGaT Center For Human Genetics Tuebingen Variant Classification Criteria Version 2. Collection method: clinical testing. Allele origin: germline. Affected: yes. Observed: 1 variant allele.
Comment: TSC2: PM2, PM5, PS4:Moderate, PP3, PS3:Supporting

Labcorp Genetics (formerly Invitae), Labcorp
Classification: Pathogenic for Tuberous sclerosis 2. Last evaluated: 2021-04-20. Review status: criteria provided, single submitter. Criteria: Invitae Variant Classification Sherloc (09022015). Collection method: clinical testing. Allele origin: germline.
Comment: For these reasons, this variant has been classified as Pathogenic. Experimental studies have shown that this variant affects TSC2 protein function (PMID: 21309039). This variant has been observed in individual(s) with clinical features of tuberous sclerosis complex (PMID: 22867869, Invitae). In at least one individual the variant was observed to be de novo. ClinVar contains an entry for this variant (Variation ID: 50148). This variant is not present in population databases (ExAC no frequency). This sequence change replaces glycine with glutamic acid at codon 1204 of the TSC2 protein (p.Gly1204Glu). The glycine residue is highly conserved and there is a moderate physicochemical difference between glycine and glutamic acid.

GeneDx
Classification: Likely pathogenic. Last evaluated: 2016-03-24. Review status: criteria provided, single submitter. Criteria: GeneDx Variant Classification (06012015). Collection method: clinical testing. Allele origin: germline. Affected: yes.
Comment: A G1204E variant that is likely pathogenic has been identified in the TSC2 gene. The G1204E variant has been reported previously in association with tuberous sclerosis complex; however, information about parental testing was not provided (Au et al., 2007; vanEeghen et al., 2013; TSC2 LOVD). Functional studies indicate that G1204E is pathogenic (Hoogeveen-Westerveld et al., 2011). It was not observed in approximately 6,500 individuals of European and African American ancestry in the NHLBI Exome Sequencing Project, indicating it is not a common benign variant in these populations. The G1204E variant is a non-conservative amino acid substitution, which is likely to impact secondary protein structure as these residues differ in polarity, charge, size and/or other properties. This substitution occurs at a position where amino acids with similar properties to Glycine are tolerated across species. Additionally, in silico analysis predicts this variant is probably damaging to the protein structure/function. Furthermore, missense variants in nearby residues (V1199G, R1200W, P1202H/R, T1203K) have been reported in the Human Gene Mutation Database in association with tuberous sclerosis (Stenson et al., 2014), supporting the functional importance of this region of the protein. Therefore, this variant is likely pathogenic; however, the possibility that it is benign cannot be excluded.

Athena Diagnostics
Classification: Likely pathogenic for Tuberous sclerosis 2. Last evaluated: 2015-06-16. Review status: criteria provided, single submitter. Criteria: Athena Diagnostics Criteria. Collection method: clinical testing. Allele origin: germline. Inheritance: Autosomal dominant inheritance.

Juno Genomics, Hangzhou Juno Genomics, Inc
Classification: Likely pathogenic for Tuberous sclerosis 2; Isolated focal cortical dysplasia type II; Lymphangiomyomatosis. Review status: criteria provided, single submitter. Criteria: ACMG Guidelines, 2015. Collection method: clinical testing. Allele origin: germline. Affected: yes.
Comment: Absent from controls (or at extremely low frequency if recessive) in Genome Aggregation Database.;Well-established in vitro or in vivo functional studies supportive of a damaging effect on the gene or gene product.;Novel missense change at an amino acid residue where a different missense change determined to be pathogenic has been seen before.

Tuberous sclerosis database (TSC2)
No classification provided. Condition: TSC. Review status: no classification provided. Criteria: Tuberous Sclerosis Database Assertion Criteria 2015. Collection method: curation. Allele origin: germline. Affected: yes. Not counted in ClinVar's aggregate classification.

Literature cited by the submitters: PubMed 21309039 (cited by Labcorp Genetics (formerly Invitae), Labcorp and Athena Diagnostics); PubMed 22867869 (cited by Labcorp Genetics (formerly Invitae), Labcorp and Athena Diagnostics); PubMed 17304050 (cited by Athena Diagnostics).